The following is an entry in ClinVar:

ClinVar aggregate classification (germline): Benign/Likely benign. Review status: criteria provided, multiple submitters, no conflicts (2 of 4 stars). 5 submissions from 5 submitters: Benign (2); Likely benign (2). 1 of the submissions does not count toward it. Last evaluated 2025-11-15.

Conditions:
Inborn genetic diseases. Identifiers: MedGen C0950123, MeSH D030342.
Intellectual disability. Also called: intellectual disabilities; Intellectual developmental disorder; Intellectual functioning disability. Identifiers: MedGen C3714756, MeSH D008607, MONDO:0001071, HP:0001249.

Allele frequency attached by ClinVar (database versions not stated): gnomAD 0.00014; TOPMed 0.00017; gnomAD exomes 0.00018 and 0.00025; ExAC 0.00027; ESP Exome Variant Server 0.00028.
gnomAD v4.1: 280 of 1,210,953 alleles (0.023%); highest among the groups gnomAD compares: Non-Finnish European, 0.03%; no homozygotes.

Submissions (5):

Labcorp Genetics (formerly Invitae), Labcorp
Classification: Benign. Last evaluated: 2025-11-15. Review status: criteria provided, single submitter. Criteria: Invitae Variant Classification Sherloc (09022015). Collection method: clinical testing. Allele origin: germline.

Blueprint Genetics
Classification: Likely benign. Last evaluated: 2024-03-23. Review status: criteria provided, single submitter. Criteria: ACMG Guidelines, 2015. Collection method: clinical testing. Allele origin: germline.

Ambry Genetics
Classification: Benign for Inborn genetic diseases. Last evaluated: 2022-02-10. Review status: criteria provided, single submitter. Criteria: Ambry Variant Classification Scheme 2023. Collection method: clinical testing. Allele origin: germline.

Cambridge Genomics Laboratory, East Genomic Laboratory Hub, NHS Genomic Medicine Service
Classification: Likely benign for Intellectual disability. Last evaluated: 2020-05-15. Review status: criteria provided, single submitter. Criteria: ACGS Best Practice Guidelines for Variant Classification in Rare Disease 2020. Collection method: clinical testing. Allele origin: germline. Affected: yes. Observed: 1 variant allele.

ITMI
No classification provided. Condition: AllHighlyPenetrant. Last evaluated: 2013-09-19. Review status: no classification provided. Collection method: reference population. Allele origin: germline. Not counted in ClinVar's aggregate classification.
Comment: Please see associated publication for description of ethnicities

Literature cited by the submitters: PubMed 24728327 (cited by ITMI).

NM_152424.4(AMER1):c.2157G>A (p.Met719Ile)

Gene: AMER1 (APC membrane recruitment protein 1; minus strand). Cytogenetic location: Xq11.2.
Variant type: single nucleotide variant.
Coding change: c.2157G>A on transcript NM_152424.4 (MANE Select); coding-DNA position 2157, G replaced by A.
Protein change: p.Met719Ile; replaces methionine 719 with isoleucine.
Molecular consequence: missense variant.
Genome position (GRCh38, 1-based): chrX:64,191,130, C>T on the plus strand (G>A on the coding strand, the complement: AMER1 is on the minus strand). VCF-style: chrX-64191130-C-T. GRCh37 (hg19) VCF-style: chrX-63411010-C-T.
Other names: short protein forms M719I.
Identifiers: ClinVar variation 133498 (VCV000133498.11), dbSNP rs142355260, ClinGen allele CA156698.